The following is an entry in ClinVar:

NM_006231.4(POLE):c.1658G>C (p.Arg553Pro)

Gene: POLE (DNA polymerase epsilon, catalytic subunit; minus strand). Cytogenetic location: 12q24.33.
Variant type: single nucleotide variant.
Coding change: c.1658G>C on transcript NM_006231.4 (MANE Select); coding-DNA position 1658, G replaced by C.
Protein change: p.Arg553Pro; replaces arginine 553 with proline.
Molecular consequence: missense variant.
Genome position (GRCh38, 1-based): chr12:132,672,655, C>G on the plus strand (G>C on the coding strand, the complement: POLE is on the minus strand). VCF-style: chr12-132672655-C-G. GRCh37 (hg19) VCF-style: chr12-133249241-C-G.
Other names: c.1658G>C (NM_006231.2); short protein forms R553P.
Identifiers: ClinVar variation 1055108 (VCV001055108.10), dbSNP rs145370369, ClinGen allele CA387356538.

ClinVar aggregate classification (germline): Uncertain significance. Review status: criteria provided, multiple submitters, no conflicts (2 of 4 stars). 3 submissions from 3 submitters: Uncertain significance (3). Last evaluated 2025-03-20.

Conditions:
Hereditary cancer-predisposing syndrome. Also called: Hereditary Cancer Syndrome; Tumor predisposition; Hereditary neoplastic syndrome; Neoplastic Syndromes, Hereditary. Identifiers: Orphanet 140162, MedGen C0027672, MeSH D009386, MONDO:0015356.

Submissions (3):

Ambry Genetics
Classification: Uncertain significance for Hereditary cancer-predisposing syndrome. Last evaluated: 2025-03-20. Review status: criteria provided, single submitter. Criteria: Ambry Variant Classification Scheme 2023. Collection method: clinical testing. Allele origin: germline.
Comment: The p.R553P variant (also known as c.1658G>C), located in coding exon 15 of the POLE gene, results from a G to C substitution at nucleotide position 1658. The arginine at codon 553 is replaced by proline, an amino acid with dissimilar properties. This amino acid position is highly conserved in available vertebrate species. In addition, this alteration is predicted to be deleterious by in silico analysis. Based on the available evidence, the clinical significance of this variant remains unclear.

GeneDx
Classification: Uncertain significance. Last evaluated: 2023-05-04. Review status: criteria provided, single submitter. Criteria: GeneDx Variant Classification Process June 2021. Collection method: clinical testing. Allele origin: germline. Affected: yes.
Comment: Not observed at significant frequency in large population cohorts (gnomAD); In silico analysis supports that this missense variant has a deleterious effect on protein structure/function; Has not been previously published as pathogenic or benign to our knowledge; This variant is associated with the following publications: (PMID: 20951805)

Labcorp Genetics (formerly Invitae), Labcorp
Classification: Uncertain significance. Last evaluated: 2020-07-14. Review status: criteria provided, single submitter. Criteria: Invitae Variant Classification Sherloc (09022015). Collection method: clinical testing. Allele origin: germline.
Comment: In summary, the available evidence is currently insufficient to determine the role of this variant in disease. Therefore, it has been classified as a Variant of Uncertain Significance. Algorithms developed to predict the effect of missense changes on protein structure and function (SIFT, PolyPhen-2, Align-GVGD) all suggest that this variant is likely to be disruptive, but these predictions have not been confirmed by published functional studies and their clinical significance is uncertain. This variant has not been reported in the literature in individuals with POLE-related conditions. This variant is not present in population databases (ExAC no frequency). This sequence change replaces arginine with proline at codon 553 of the POLE protein (p.Arg553Pro). The arginine residue is highly conserved and there is a moderate physicochemical difference between arginine and proline.